The following is an entry in ClinVar:

NM_032119.4(ADGRV1):c.17402G>C (p.Ser5801Thr)

Gene: ADGRV1 (adhesion G protein-coupled receptor V1; plus strand). Cytogenetic location: 5q14.3.
Variant type: single nucleotide variant.
Coding change: c.17402G>C on transcript NM_032119.4 (MANE Select); coding-DNA position 17402, G replaced by C.
Protein change: p.Ser5801Thr; replaces serine 5801 with threonine.
Molecular consequence: missense variant. On other transcripts: non-coding transcript variant (1).
Genome position (GRCh38, 1-based): chr5:90,853,481, G>C. VCF-style: chr5-90853481-G-C. GRCh37 (hg19) VCF-style: chr5-90149298-G-C.
Other names: short protein forms S5801T.
Identifiers: ClinVar variation 1315874 (VCV001315874.2), dbSNP rs749894314, ClinGen allele CA360430283.
Genomic context (GRCh38, chr5:90,853,481, plus strand): 5'-AGGATGCAGAAATAATGGCTGGGAAAAGTACATGTAAATTAGTCCAGTTTACAGAGTATA[G>C]CAGCCAACAGTGGTTTATAAGTGGAAACAATCTTCCTACCCTAAAAAATAAGGTAATCTT-3'
Protein context (NP_115495.3, residues 5791-5811): TCKLVQFTEY[Ser5801Thr]SQQWFISGNN

ClinVar aggregate classification (germline): Uncertain significance (1 of 4 stars; one submission).

Allele frequency attached by ClinVar (database versions not stated): gnomAD 0.00001; TOPMed below 0.00001.
gnomAD v4.1: 1 of 1,612,818 alleles (0.000062%); highest among the groups gnomAD compares: East Asian, 0.0022%; no homozygotes.

Submission:

GeneDx
Classification: Uncertain significance. Last evaluated: 2019-10-02. Review status: criteria provided, single submitter. Criteria: GeneDx Variant Classification Process June 2021. Collection method: clinical testing. Allele origin: germline. Affected: yes.
Comment: Not observed in large population cohorts (Lek et al., 2016); In silico analysis, which includes protein predictors and evolutionary conservation, supports that this variant does not alter protein structure/function; Has not been previously published as pathogenic or benign to our knowledge